The following is an entry in ClinVar:

ClinVar aggregate classification (germline): Uncertain significance (1 of 4 stars; one submission).

Conditions:
Hereditary cancer-predisposing syndrome. Also called: Neoplastic Syndromes, Hereditary; Tumor predisposition; Hereditary Cancer Syndrome; Hereditary neoplastic syndrome. Identifiers: Orphanet 140162, MedGen C0027672, MeSH D009386, MONDO:0015356.

Submission:

Color Diagnostics, LLC DBA Color Health
Classification: Uncertain significance for Hereditary cancer-predisposing syndrome. Last evaluated: 2019-09-06. Review status: criteria provided, single submitter. Criteria: ACMG Guidelines, 2015. Collection method: clinical testing. Allele origin: germline.
Comment: This missense variant replaces aspartic acid with histidine at codon 1083 of the APC protein. Computational prediction tools and conservation analyses are inconclusive regarding the impact of this variant on protein structure and function. Splice site prediction tools suggest that this variant may not impact RNA splicing. To our knowledge, functional studies have not been performed for this variant. This variant has not been reported in individuals affected with hereditary cancer in the literature. This variant has not been identified in the general population by the Genome Aggregation Database (gnomAD). The available evidence is insufficient to determine the role of this variant in disease conclusively. Therefore, this variant is classified as a Variant of Uncertain Significance.

NM_000038.6(APC):c.3247G>C (p.Asp1083His)

Gene: APC (APC regulator of Wnt signaling pathway; plus strand). Cytogenetic location: 5q22.2.
Variant type: single nucleotide variant.
Coding change: c.3247G>C on transcript NM_000038.6 (MANE Select); coding-DNA position 3247, G replaced by C.
Protein change: p.Asp1083His; replaces aspartic acid 1083 with histidine.
Molecular consequence: missense variant.
Genome position (GRCh38, 1-based): chr5:112,838,841, G>C. VCF-style: chr5-112838841-G-C. GRCh37 (hg19) VCF-style: chr5-112174538-G-C.
Other names: c.3247G>C, p.Asp1083His (NM_001127510.3, NM_001354895.2); c.3193G>C, p.Asp1065His (NM_001127511.3); c.3301G>C, p.Asp1101His (NM_001354896.2); c.3277G>C, p.Asp1093His (NM_001354897.2); c.3172G>C, p.Asp1058His (NM_001354898.2); c.3163G>C, p.Asp1055His (NM_001354899.2); c.3124G>C, p.Asp1042His (NM_001354900.2); c.3070G>C, p.Asp1024His (NM_001354901.2); and 5 more; short protein forms D1024H, D1042H, D1065H, D1083H, D800H, D957H, D1058H, D992H.
Identifiers: ClinVar variation 918719 (VCV000918719.3), dbSNP rs1765373598, ClinGen allele CA16028455.